The following is an entry in ClinVar:

NM_007194.4(CHEK2):c.1028T>G (p.Ile343Ser)

Gene: CHEK2 (checkpoint kinase 2; minus strand). Cytogenetic location: 22q12.1.
Variant type: single nucleotide variant.
Coding change: c.1028T>G on transcript NM_007194.4 (MANE Select); coding-DNA position 1028, T replaced by G.
Protein change: p.Ile343Ser; replaces isoleucine 343 with serine.
Molecular consequence: missense variant. On other transcripts: intron variant (3).
Genome position (GRCh38, 1-based): chr22:28,696,968, A>C on the plus strand (T>G on the coding strand, the complement: CHEK2 is on the minus strand). VCF-style: chr22-28696968-A-C. GRCh37 (hg19) VCF-style: chr22-29092956-A-C.
Other names: c.365T>G, p.Ile122Ser (NM_001437942.1, NM_001257387.3); c.1121T>G, p.Ile374Ser (NM_001438293.1); c.1009-1095T>G (NM_145862.3); c.1102-1095T>G (NM_001438295.1); c.1138-1095T>G (NM_001438294.1); c.1157T>G, p.Ile386Ser (NM_001005735.3); c.827T>G, p.Ile276Ser (NM_001349956.3); short protein forms I343S, I122S, I276S, I386S, I374S.
Identifiers: ClinVar variation 234873 (VCV000234873.7), dbSNP rs863224746, ClinGen allele CA10577634.

ClinVar aggregate classification (germline): Uncertain significance. Review status: criteria provided, multiple submitters, no conflicts (2 of 4 stars). 3 submissions from 3 submitters: Uncertain significance (3). Last evaluated 2024-08-05.

Conditions:
Hereditary cancer-predisposing syndrome. Also called: Hereditary neoplastic syndrome; Hereditary Cancer Syndrome; Neoplastic Syndromes, Hereditary; Tumor predisposition. Identifiers: Orphanet 140162, MedGen C0027672, MeSH D009386, MONDO:0015356.
Familial cancer of breast. Also called: BREAST CANCER, FAMILIAL; hereditary breast carcinoma; Hereditary breast cancer. Identifiers: Orphanet 227535, MedGen C0346153, MONDO:0016419, OMIM 114480. Disease mechanism: loss of function.

gnomAD v4.1: 1 of 1,612,654 alleles (0.000062%); highest among the groups gnomAD compares: Non-Finnish European, 0.000085%; no homozygotes.

Submissions (3):

Ambry Genetics
Classification: Uncertain significance for Hereditary cancer-predisposing syndrome. Last evaluated: 2024-08-05. Review status: criteria provided, single submitter. Criteria: Ambry Variant Classification Scheme 2023. Collection method: clinical testing. Allele origin: germline.
Comment: The p.I343S variant (also known as c.1028T>G), located in coding exon 9 of the CHEK2 gene, results from a T to G substitution at nucleotide position 1028. The isoleucine at codon 343 is replaced by serine, an amino acid with dissimilar properties. This amino acid position is highly conserved in available vertebrate species. In addition, this alteration is predicted to be deleterious by in silico analysis. Based on the available evidence, the clinical significance of this variant remains unclear.

Labcorp Genetics (formerly Invitae), Labcorp
Classification: Uncertain significance for Familial cancer of breast. Last evaluated: 2024-04-23. Review status: criteria provided, single submitter. Criteria: Invitae Variant Classification Sherloc (09022015). Collection method: clinical testing. Allele origin: germline.
Comment: This sequence change replaces isoleucine, which is neutral and non-polar, with serine, which is neutral and polar, at codon 343 of the CHEK2 protein (p.Ile343Ser). This variant is not present in population databases (gnomAD no frequency). This variant has not been reported in the literature in individuals affected with CHEK2-related conditions. ClinVar contains an entry for this variant (Variation ID: 234873). An algorithm developed to predict the effect of missense changes on protein structure and function (PolyPhen-2) suggests that this variant is likely to be disruptive. In summary, the available evidence is currently insufficient to determine the role of this variant in disease. Therefore, it has been classified as a Variant of Uncertain Significance.

GeneDx
Classification: Uncertain significance. Last evaluated: 2016-02-29. Review status: criteria provided, single submitter. Criteria: GeneDx Variant Classification (06012015). Collection method: clinical testing. Allele origin: germline. Affected: yes.
Comment: This variant is denoted CHEK2 c.1028T>G at the cDNA level, p.Ile343Ser (I343S) at the protein level, and results in the change of an Isoleucine to a Serine (ATT>AGT). This variant has not, to our knowledge, been published in the literature as pathogenic or benign. CHEK2 Ile343Ser was not observed in approximately 6,500 individuals of European and African American ancestry in the NHLBI Exome Sequencing Project, suggesting it is not a common benign variant in these populations. Since Isoleucine and Serine differ in polarity, charge, size or other properties, this is considered a non-conservative amino acid substitution. CHEK2 Ile343Ser occurs at a position that is conserved across species and is located in the kinase domain (Desrichard 2011). In silico analyses predict that this variant is probably damaging to protein structure and function. Based on currently available evidence, it is unclear whether CHEK2 Ile343Ser is a pathogenic or benign variant. We consider it to be a variant of uncertain significance.